The following is an entry in ClinVar:

ClinVar aggregate classification (germline): Uncertain significance. Review status: criteria provided, multiple submitters, no conflicts (2 of 4 stars). 2 submissions from 2 submitters: Uncertain significance (2). Last evaluated 2026-03-11.

Conditions:
Inborn genetic diseases. Identifiers: MedGen C0950123, MeSH D030342.

Allele frequency attached by ClinVar (database versions not stated): gnomAD 0.00002; ExAC 0.00005; TOPMed 0.00006; ESP Exome Variant Server 0.00008; 1000 Genomes Project 30x 0.00016; 1000 Genomes Project 0.00020.
gnomAD v4.1: 59 of 1,610,154 alleles (0.0037%); highest among the groups gnomAD compares: Middle Eastern, 0.17%; no homozygotes.

Submissions (2):

GeneDx
Classification: Uncertain significance. Last evaluated: 2026-03-11. Review status: criteria provided, single submitter. Criteria: GeneDx Variant Classification Process June 2021. Collection method: clinical testing. Allele origin: germline.
Comment: In silico analysis suggests that this missense variant does not alter protein structure/function; Has not been previously published as pathogenic or benign to our knowledge

Ambry Genetics
Classification: Uncertain significance for Inborn genetic diseases. Last evaluated: 2025-07-12. Review status: criteria provided, single submitter. Criteria: Ambry Variant Classification Scheme 2023. Collection method: clinical testing. Allele origin: germline.

NM_173628.4(DNAH17):c.3689A>C (p.Asn1230Thr)

Gene: DNAH17 (dynein axonemal heavy chain 17; minus strand). Cytogenetic location: 17q25.3.
Variant type: single nucleotide variant.
Coding change: c.3689A>C on transcript NM_173628.4 (MANE Select); coding-DNA position 3689, A replaced by C.
Protein change: p.Asn1230Thr; replaces asparagine 1230 with threonine.
Molecular consequence: missense variant.
Genome position (GRCh38, 1-based): chr17:78,526,673, T>G on the plus strand (A>C on the coding strand, the complement: DNAH17 is on the minus strand). VCF-style: chr17-78526673-T-G. GRCh37 (hg19) VCF-style: chr17-76522755-T-G.
Other names: short protein forms N1230T.
Identifiers: ClinVar variation 2310958 (VCV002310958.4), dbSNP rs373009765, ClinGen allele CA8804099.